The following is an entry in ClinVar:

NM_152726.3(MICU2):c.786_787del (p.Glu262fs)

Gene: MICU2 (mitochondrial calcium uptake 2; minus strand). Cytogenetic location: 13q12.11.
Variant type: Microsatellite.
Coding change: c.786_787del on transcript NM_152726.3 (MANE Select); coding-DNA positions 786 to 787, 2 bases deleted (GA; older notation c.786_787delGA).
Protein change: p.Glu262fs; shifts the reading frame from glutamic acid 262.
Molecular consequence: frameshift variant.
Genome position (GRCh38, 1-based): chr13:21,503,072-21,503,073, TC deleted on the plus strand (GA on the coding strand, the reverse complement: MICU2 is on the minus strand); deleting any 2 consecutive bases within chr13:21,503,072-21,503,076 gives the same sequence; the c. name uses the placement nearest the transcript's 3' end. VCF-style (leftmost placement, unchanged base first): chr13-21503071-ATC-A. GRCh37 (hg19) VCF-style: chr13-22077210-ATC-A.
Other names: c.786_787delGA (NM_152726.3); short protein forms E262fs.
Identifiers: ClinVar variation 917632 (VCV000917632.4), dbSNP rs752960720, ClinGen allele CA6909027.
Genomic context (GRCh38, chr13:21,503,071, plus strand): 5'-AAGTCTTCTTTTCTCATGAAACTCAAACCTTTAGAAAACTGAAGGAATTCCATTTCTTGA[ATC>A]TCTGTTTGTAAATTTTCCATAAATCTGAATGTTAAAATACAAAATTAGTAAGGTAACTAG-3'

ClinVar aggregate classification (germline): Uncertain significance (1 of 4 stars; one submission).

Submission:

Women's Health and Genetics/Laboratory Corporation of America, LabCorp
Classification: Uncertain significance. Last evaluated: 2024-05-06. Review status: criteria provided, single submitter. Criteria: LabCorp Variant Classification Summary - May 2015. Collection method: clinical testing. Allele origin: germline.
Comment: Variant summary: MICU2 c.786_787delGA (p.Glu262AspfsX11) results in a premature termination codon, predicted to cause a truncation of the encoded protein or absence of the protein due to nonsense mediated decay, however current evidence is not sufficient to establish loss-of-function variants in MICU2 as causative of disease. The variant allele was found at a frequency of 8e-05 in 237376 control chromosomes, predominantly at a frequency of 0.00095 within the African or African-American subpopulation in the gnomAD database. To our knowledge, no occurrence of c.786_787delGA in individuals affected with MICU2-Related Disorders and no experimental evidence demonstrating its impact on protein function have been reported. ClinVar contains an entry for this variant (Variation ID: 917632). Based on the evidence outlined above, the variant was classified as uncertain significance.